The following is an entry in ClinVar:

ClinVar aggregate classification (germline): Uncertain significance (1 of 4 stars; one submission).

Conditions:
Inborn genetic diseases. Identifiers: MedGen C0950123, MeSH D030342.

gnomAD v4.1: 1 of 1,611,694 alleles (0.000062%); highest among the groups gnomAD compares: Non-Finnish European, 0.000085%; no homozygotes.

Submission:

Ambry Genetics
Classification: Uncertain significance for Inborn genetic diseases. Last evaluated: 2025-06-09. Review status: criteria provided, single submitter. Criteria: Ambry Variant Classification Scheme 2023. Collection method: clinical testing. Allele origin: germline.
Comment: The p.Q291R variant (also known as c.872A>G), located in coding exon 9 of the RTEL1 gene, results from an A to G substitution at nucleotide position 872. The glutamine at codon 291 is replaced by arginine, an amino acid with highly similar properties. This amino acid position is conserved. In addition, this alteration is predicted to be tolerated by in silico analysis. Based on the available evidence, the clinical significance of this variant remains unclear.

NM_001283009.2(RTEL1):c.872A>G (p.Gln291Arg)

Genes: RTEL1 (regulator of telomere elongation helicase 1; plus strand), RTEL1-TNFRSF6B (RTEL1-TNFRSF6B readthrough (NMD candidate); plus strand). Cytogenetic location: 20q13.33.
Variant type: single nucleotide variant.
Coding change: c.872A>G on transcript NM_001283009.2 (MANE Select); coding-DNA position 872, A replaced by G.
Protein change: p.Gln291Arg; replaces glutamine 291 with arginine.
Molecular consequence: missense variant. On other transcripts: non-coding transcript variant (1).
Genome position (GRCh38, 1-based): chr20:63,674,046, A>G. VCF-style: chr20-63674046-A-G. GRCh37 (hg19) VCF-style: chr20-62305399-A-G.
Other names: c.203A>G, p.Gln68Arg (NM_001283010.1); c.872A>G, p.Gln291Arg (NM_016434.4); c.944A>G, p.Gln315Arg (NM_032957.5); short protein forms Q68R, Q291R, Q315R.
Identifiers: ClinVar variation 3948481 (VCV003948481.1).